The following is an entry in ClinVar:

ClinVar aggregate classification (germline): Uncertain significance (1 of 4 stars; one submission).

Conditions:
Neuropathy, hereditary sensory and autonomic, type 2A (HSAN2A). Also called: ACROOSTEOLYSIS, GIACCAI TYPE; ACROOSTEOLYSIS, NEUROGENIC; MORVAN DISEASE; NEUROPATHY, CONGENITAL SENSORY; NEUROPATHY, HEREDITARY SENSORY RADICULAR, AUTOSOMAL RECESSIVE; NEUROPATHY, HEREDITARY SENSORY, TYPE IIA. Identifiers: Orphanet 970, MedGen C2752089, MONDO:0024309, OMIM 201300.
Generalized epilepsy with febrile seizures plus, type 7 (GEFSP7). Also called: GEFS+, TYPE 7. Identifiers: Orphanet 36387, MedGen C2751778, MONDO:0013470, OMIM 613863.

Allele frequency attached by ClinVar (database versions not stated): TOPMed below 0.00001.

Submission:

Labcorp Genetics (formerly Invitae), Labcorp
Classification: Uncertain significance for Neuropathy, hereditary sensory and autonomic, type 2A; Generalized epilepsy with febrile seizures plus, type 7. Last evaluated: 2022-12-11. Review status: criteria provided, single submitter. Criteria: Invitae Variant Classification Sherloc (09022015). Collection method: clinical testing. Allele origin: germline.
Comment: This sequence change replaces aspartic acid, which is acidic and polar, with alanine, which is neutral and non-polar, at codon 923 of the SCN9A protein (p.Asp923Ala). This variant is not present in population databases (gnomAD no frequency). This variant has not been reported in the literature in individuals affected with SCN9A-related conditions. Advanced modeling of protein sequence and biophysical properties (such as structural, functional, and spatial information, amino acid conservation, physicochemical variation, residue mobility, and thermodynamic stability) performed at Invitae indicates that this missense variant is not expected to disrupt SCN9A protein function. In summary, the available evidence is currently insufficient to determine the role of this variant in disease. Therefore, it has been classified as a Variant of Uncertain Significance.

NM_001365536.1(SCN9A):c.2801A>C (p.Asp934Ala)

Genes: SCN1A-AS1 (SCN1A and SCN9A antisense RNA 1; plus strand), SCN9A (sodium voltage-gated channel alpha subunit 9; minus strand). Cytogenetic location: 2q24.3.
Variant type: single nucleotide variant.
Coding change: c.2801A>C on transcript NM_001365536.1 (MANE Select); coding-DNA position 2801, A replaced by C.
Protein change: p.Asp934Ala; replaces aspartic acid 934 with alanine.
Molecular consequence: missense variant.
Genome position (GRCh38, 1-based): chr2:166,277,056, T>G on the plus strand (A>C on the coding strand, the complement: SCN9A is on the minus strand). VCF-style: chr2-166277056-T-G. GRCh37 (hg19) VCF-style: chr2-167133566-T-G.
Other names: c.2768A>C, p.Asp923Ala (NM_002977.4); short protein forms D923A, D934A.
Identifiers: ClinVar variation 2939985 (VCV002939985.3), dbSNP rs1697267570, ClinGen allele CA349077338.